The following is an entry in ClinVar:

ClinVar aggregate classification (germline): Likely benign (0 of 4 stars; one submission).

Conditions:
EHBP1-related disorder. Also called: EHBP1-related condition.

Allele frequency attached by ClinVar (database versions not stated): 1000 Genomes Project 30x 0.00016; 1000 Genomes Project 0.00020; TOPMed 0.00073; gnomAD 0.00084; ExAC 0.00100; ESP Exome Variant Server 0.00108; gnomAD exomes 0.00126.
gnomAD v4.1: 1,913 of 1,594,258 alleles (0.12%); highest among the groups gnomAD compares: South Asian, 0.19%; 1 homozygote.

Submission:

PreventionGenetics, part of Exact Sciences
Classification: Likely benign for EHBP1-related condition. Last evaluated: 2020-12-14. Review status: no assertion criteria provided. Collection method: clinical testing. Allele origin: germline.
Comment: This variant is classified as likely benign based on ACMG/AMP sequence variant interpretation guidelines (Richards et al. 2015 PMID: 25741868, with internal and published modifications).

NM_001142616.3(EHBP1):c.2749C>G (p.Leu917Val)

Gene: EHBP1 (EH domain binding protein 1; plus strand). Cytogenetic location: 2p15.
Variant type: single nucleotide variant.
Coding change: c.2749C>G on transcript NM_001142616.3 (MANE Select); coding-DNA position 2749, C replaced by G.
Protein change: p.Leu917Val; replaces leucine 917 with valine.
Molecular consequence: missense variant.
Genome position (GRCh38, 1-based): chr2:62,993,545, C>G. VCF-style: chr2-62993545-C-G. GRCh37 (hg19) VCF-style: chr2-63220680-C-G.
Other names: c.2857C>G, p.Leu953Val (NM_001142614.2); c.2749C>G, p.Leu917Val (NM_001142615.3, NM_001354218.1); c.2962C>G, p.Leu988Val (NM_001354212.1, NM_001354213.1, NM_001354214.1 and 1 more transcripts); c.2959C>G, p.Leu987Val (NM_001354215.1, NM_001354216.2); c.2854C>G, p.Leu952Val (NM_001354217.1); c.2746C>G, p.Leu916Val (NM_001354219.2, NM_001354220.1); c.2116C>G, p.Leu706Val (NM_001354221.2); c.1903C>G, p.Leu635Val (NM_001354222.2); short protein forms L635V, L706V, L916V, L917V, L952V, L953V, L987V, L988V.
Identifiers: ClinVar variation 3053880 (VCV003053880.2), dbSNP rs150215775, ClinGen allele CA1681493.
Genomic context (GRCh38, chr2:62,993,545, plus strand): 5'-TTTATGAGATCAGGACTCTCTTACCATGTGTTGTTTTACGTTTAGAGTGGCACAGAAGAT[C>G]TCCGGACTGAACGATTACAAAAAACAACAGAACGTTTTAGAAATCCTGTTGTGTTCAGCA-3'
Protein context (NP_001136088.1, residues 907-927): EQDMKSGTED[Leu917Val]RTERLQKTTE